The following is an entry in ClinVar:

NM_000387.6(SLC25A20):c.597G>A (p.Pro199=)

Gene: SLC25A20 (solute carrier family 25 member 20; minus strand). Cytogenetic location: 3p21.31.
Variant type: single nucleotide variant.
Coding change: c.597G>A on transcript NM_000387.6 (MANE Select); coding-DNA position 597, G replaced by A.
Protein change: p.Pro199=; no amino-acid change (proline 199 retained).
Molecular consequence: synonymous variant.
Genome position (GRCh38, 1-based): chr3:48,859,566, C>T on the plus strand (G>A on the coding strand, the complement: SLC25A20 is on the minus strand). VCF-style: chr3-48859566-C-T. GRCh37 (hg19) VCF-style: chr3-48896999-C-T.
Identifiers: ClinVar variation 681472 (VCV000681472.4), dbSNP rs142911267, ClinGen allele CA2387350.

ClinVar aggregate classification (germline): Likely benign. Review status: criteria provided, multiple submitters, no conflicts (2 of 4 stars). 2 submissions from 2 submitters: Likely benign (2). Last evaluated 2026-01-31.

Conditions:
Carnitine acylcarnitine translocase deficiency (CACTD). Identifiers: Orphanet 159, MedGen C0342791, MONDO:0008918, OMIM 212138.

Allele frequency attached by ClinVar (database versions not stated): gnomAD exomes below 0.00001 and 0.00001; ExAC 0.00001; gnomAD 0.00001; TOPMed 0.00005; ESP Exome Variant Server 0.00008.
gnomAD v4.1: 8 of 1,613,692 alleles (0.0005%); highest among the groups gnomAD compares: Middle Eastern, 0.016%; no homozygotes.

Submissions (2):

Labcorp Genetics (formerly Invitae), Labcorp
Classification: Likely benign for Carnitine acylcarnitine translocase deficiency. Last evaluated: 2026-01-31. Review status: criteria provided, single submitter. Criteria: Invitae Variant Classification Sherloc (09022015). Collection method: clinical testing. Allele origin: germline.

GeneDx
Classification: Likely benign. Last evaluated: 2018-06-20. Review status: criteria provided, single submitter. Criteria: GeneDx Variant Classification (06012015). Collection method: clinical testing. Allele origin: germline. Affected: yes.
Comment: This variant is considered likely benign or benign based on one or more of the following criteria: it is a conservative change, it occurs at a poorly conserved position in the protein, it is predicted to be benign by multiple in silico algorithms, and/or has population frequency not consistent with disease.